The following is an entry in ClinVar:

ClinVar aggregate classification (germline): Conflicting classifications of pathogenicity. Review status: criteria provided, conflicting classifications (1 of 4 stars). 7 submissions from 7 submitters: Uncertain significance (5); Likely benign (1). 1 of the submissions does not count toward it. Last evaluated 2025-11-23.

Conditions:
Familial cancer of breast. Also called: BREAST CANCER, FAMILIAL; hereditary breast carcinoma; Hereditary breast cancer. Identifiers: Orphanet 227535, MedGen C0346153, MONDO:0016419, OMIM 114480. Disease mechanism: loss of function.
Breast-ovarian cancer, familial, susceptibility to, 5 (BROVCA5). Identifiers: MedGen C5830615, MONDO:0957530, OMIM 620442.
Hereditary cancer-predisposing syndrome. Also called: Tumor predisposition; Hereditary neoplastic syndrome; Neoplastic Syndromes, Hereditary; Hereditary Cancer Syndrome. Identifiers: Orphanet 140162, MedGen C0027672, MeSH D009386, MONDO:0015356.
Malignant tumor of breast. Also called: Malignant breast neoplasm; Cancer breast. Identifiers: MedGen C0006142, MONDO:0007254. Disease mechanism: loss of function.
Breast carcinoma. Also called: Carcinoma of breast. Identifiers: MedGen C0678222, MONDO:0004989, HP:0003002.

Allele frequency attached by ClinVar (database versions not stated): gnomAD exomes below 0.00001 and 0.00001; gnomAD 0.00001; TOPMed 0.00001.
gnomAD v4.1: 7 of 1,614,064 alleles (0.00043%); highest among the groups gnomAD compares: South Asian, 0.0011%; no homozygotes.

Submissions (7):

Dasa
Classification: Uncertain significance for Breast-ovarian cancer, familial, susceptibility to, 5. Last evaluated: 2025-11-23. Review status: criteria provided, single submitter. Criteria: DASA Assertion Criteria. Collection method: clinical testing. Allele origin: germline.
Comment: NM_024675.4(PALB2):c.1597A>G (p.Thr533Ala) is a missense variant that results in the substitution of threonine with alanine. This variant is rare in population databases. The currently available literature and clinical evidence are not sufficient to establish a definitive association between this variant and the reported condition. Therefore, this variant is classified as a variant of uncertain significance.

Labcorp Genetics (formerly Invitae), Labcorp
Classification: Uncertain significance for Familial cancer of breast. Last evaluated: 2025-09-24. Review status: criteria provided, single submitter. Criteria: Invitae Variant Classification Sherloc (09022015). Collection method: clinical testing. Allele origin: germline.
Comment: This sequence change replaces threonine, which is neutral and polar, with alanine, which is neutral and non-polar, at codon 533 of the PALB2 protein (p.Thr533Ala). This variant is present in population databases (no rsID available, gnomAD 0.003%). This variant has not been reported in the literature in individuals affected with PALB2-related conditions. ClinVar contains an entry for this variant (Variation ID: 523534). Invitae Evidence Modeling of protein sequence and biophysical properties (such as structural, functional, and spatial information, amino acid conservation, physicochemical variation, residue mobility, and thermodynamic stability) indicates that this missense variant is not expected to disrupt PALB2 protein function with a negative predictive value of 80%. In summary, the available evidence is currently insufficient to determine the role of this variant in disease. Therefore, it has been classified as a Variant of Uncertain Significance.

Quest Diagnostics Nichols Institute San Juan Capistrano
Classification: Uncertain significance. Last evaluated: 2022-11-16. Review status: criteria provided, single submitter. Criteria: Quest Diagnostics criteria. Collection method: clinical testing. Allele origin: unknown.
Comment: The frequency of this variant in the general population, 0.000008 (2/251488 chromosomes), is uninformative in assessment of its pathogenicity. In a large scale breast cancer association study, the variant was observed in a control individual only (see LOVD and PMID: 33471991 (2021)). Analysis of this variant using bioinformatics tools for the prediction of the effect of amino acid changes on protein structure and function yielded predictions that this variant is benign. Based on the available information, we are unable to determine the clinical significance of this variant.

Color Diagnostics, LLC DBA Color Health
Classification: Uncertain significance for Hereditary cancer-predisposing syndrome. Last evaluated: 2022-08-01. Review status: criteria provided, single submitter. Criteria: ACMG Guidelines, 2015. Collection method: clinical testing. Allele origin: germline.
Comment: This missense variant replaces threonine with alanine at codon 533 of the PALB2 protein. Computational prediction suggests that this variant may not impact protein structure and function (internally defined REVEL score threshold <= 0.5, PMID: 27666373). To our knowledge, functional studies have not been reported for this variant. This variant has not been reported in individuals affected with hereditary cancer in the literature and has been reported in an unaffected individual (PMID: 33471991; Leiden Open Variation Database DB-ID PALB2_011000). This variant has been identified in 2/251488 chromosomes in the general population by the Genome Aggregation Database (gnomAD). The available evidence is insufficient to determine the role of this variant in disease conclusively. Therefore, this variant is classified as a Variant of Uncertain Significance.

Ambry Genetics
Classification: Likely benign for Hereditary cancer-predisposing syndrome. Last evaluated: 2019-03-11. Review status: criteria provided, single submitter. Criteria: Ambry Variant Classification Scheme 2023. Collection method: clinical testing. Allele origin: germline.

Centre for Mendelian Genomics, University Medical Centre Ljubljana
Classification: Uncertain significance for Breast carcinoma. Last evaluated: 2017-01-01. Review status: criteria provided, single submitter. Criteria: ACMG Guidelines, 2015. Collection method: clinical testing. Allele origin: unknown. Affected: yes.

Department of Pathology and Laboratory Medicine, Sinai Health System
Classification: Uncertain significance for Malignant tumor of breast. Review status: no assertion criteria provided. Collection method: clinical testing. Allele origin: unknown. Affected: yes. Study: The Canadian Open Genetics Repository (COGR). Not counted in ClinVar's aggregate classification.
Comment: The PALB2 p.Thr533Ala variant was not identified in the literature nor was it identified in the dbSNP, Cosmic, MutDB, LOVD 3.0, or Zhejiang University database. The variant was identified in ClinVar database (classified as uncertain significance by one submitter). The variant was identified in control databases in 2 of 246264 chromosomes at a frequency of 0.000008 (Genome Aggregation Database Feb 27, 2017). The variant was observed in the following populations: European in 1 of 111714 chromosomes (freq: 0.000009), and South Asian in 1 of 30782 chromosomes (freq: 0.00003), but not observed in the African, Other, Latino, Ashkenazi Jewish, East Asian, or Finnish populations. The p.Thr533 residue is not conserved in mammals and computational analyses (PolyPhen-2, SIFT, AlignGVGD, BLOSUM) do not suggest a high likelihood of impact to the protein; however, this information is not predictive enough to rule out pathogenicity. The variant occurs outside of the splicing consensus sequence and 3 of 4 in silico or computational prediction software programs (SpliceSiteFinder, MaxEntScan, NNSPLICE, GeneSplicer) predict a greater than 10% difference in splicing. However, this information is not predictive enough to assume pathogenicity. In summary, based on the above information the clinical significance of this variant cannot be determined with certainty at this time. This variant is classified as a variant of uncertain significance.

Literature cited by the submitters: PubMed 33471991 (cited by Quest Diagnostics Nichols Institute San Juan Capistrano and Color Diagnostics, LLC DBA Color Health).

NM_024675.4(PALB2):c.1597A>G (p.Thr533Ala)

Gene: PALB2 (partner and localizer of BRCA2; minus strand). Cytogenetic location: 16p12.2.
Variant type: single nucleotide variant.
Coding change: c.1597A>G on transcript NM_024675.4 (MANE Select); coding-DNA position 1597, A replaced by G.
Protein change: p.Thr533Ala; replaces threonine 533 with alanine.
Molecular consequence: missense variant.
Genome position (GRCh38, 1-based): chr16:23,634,949, T>C on the plus strand (A>G on the coding strand, the complement: PALB2 is on the minus strand). VCF-style: chr16-23634949-T-C. GRCh37 (hg19) VCF-style: chr16-23646270-T-C.
Other names: short protein forms T533A.
Identifiers: ClinVar variation 523534 (VCV000523534.18), dbSNP rs1393117824, ClinGen allele CA395130540.